The following is an entry in ClinVar:

ClinVar aggregate classification (germline): Uncertain significance (1 of 4 stars; one submission).

Conditions:
Intellectual disability. Also called: intellectual disabilities; Intellectual developmental disorder; Intellectual functioning disability. Identifiers: MedGen C3714756, MeSH D008607, MONDO:0001071, HP:0001249.

Allele frequency attached by ClinVar (database versions not stated): gnomAD exomes below 0.00001; ExAC 0.00001.
gnomAD v4.1: 1 of 1,613,430 alleles (0.000062%); highest among the groups gnomAD compares: Non-Finnish European, 0.000085%; no homozygotes.

Submission:

Broad Center for Mendelian Genomics, Broad Institute of MIT and Harvard
Classification: Uncertain significance for Intellectual disability. Last evaluated: 2020-05-28. Review status: criteria provided, single submitter. Criteria: ACMG Guidelines, 2015. Collection method: research. Allele origin: germline. Inheritance: Autosomal recessive inheritance.
Comment: The presence of this variant in an affected homozygote increases the likelihood that the p.Lys55Glu variant is pathogenic. This variant has been identified in 0.0009% (1/113274) of European (non-Finnish) chromosomes by the Genome Aggregation Database (gnomAD; dbSNP rs774263147). Although this variant has been seen in the general population, its frequency is low enough to be consistent with a recessive carrier frequency. Computational prediction tools and conservation analyses suggest that this variant may impact the protein, though this information is not predictive enough to determine pathogenicity. The number of missense variants reported in TLK2 in the general population is lower than expected, suggesting there is little benign variation in this gene and slightly increasing the possibility that a missense variant in this gene may not be tolerated. In summary, while there is some suspicion for a pathogenic role, the clinical significance of this variant is uncertain. ACMG/AMP Criteria applied: PM2, PP3, PM3_Supporting, PP3 (Richards 2015).

Literature cited by the submitters: PubMed 31558842.

NM_006852.6(TLK2):c.163A>G (p.Lys55Glu)

Gene: TLK2 (tousled like kinase 2; plus strand). Cytogenetic location: 17q23.2.
Variant type: single nucleotide variant.
Coding change: c.163A>G on transcript NM_006852.6 (MANE Select); coding-DNA position 163, A replaced by G.
Protein change: p.Lys55Glu; replaces lysine 55 with glutamic acid.
Molecular consequence: missense variant. On other transcripts: 5 prime UTR variant (2).
Genome position (GRCh38, 1-based): chr17:62,522,213, A>G. VCF-style: chr17-62522213-A-G. GRCh37 (hg19) VCF-style: chr17-60599574-A-G.
Other names: c.163A>G, p.Lys55Glu (NM_001284333.3, NM_001284363.1, NM_001375270.1 and 2 more transcripts); c.-189A>G (NM_001330418.3, NM_001375273.1); c.301A>G, p.Lys101Glu (NM_001375269.1); short protein forms K101E, K55E.
Identifiers: ClinVar variation 977159 (VCV000977159.1), dbSNP rs774263147, ClinGen allele CA8694599.